The following is an entry in ClinVar:

NM_015160.3(PMPCA):c.1204C>T (p.Arg402Ter)

Gene: PMPCA (peptidase, mitochondrial processing subunit alpha; plus strand). Cytogenetic location: 9q34.3.
Variant type: single nucleotide variant.
Coding change: c.1204C>T on transcript NM_015160.3 (MANE Select); coding-DNA position 1204, C replaced by T.
Protein change: p.Arg402Ter; replaces arginine 402 with a stop codon.
Molecular consequence: nonsense.
Genome position (GRCh38, 1-based): chr9:136,419,047, C>T. VCF-style: chr9-136419047-C-T. GRCh37 (hg19) VCF-style: chr9-139313499-C-T.
Other names: c.811C>T, p.Arg271Ter (NM_001282944.2); c.904C>T, p.Arg302Ter (NM_001282946.2); short protein forms R271*, R302*, R402*.
Identifiers: ClinVar variation 2572590 (VCV002572590.1), dbSNP rs534750502, ClinGen allele CA375556223.

ClinVar aggregate classification (germline): Likely pathogenic (1 of 4 stars; one submission).

Conditions:
Autosomal recessive spinocerebellar ataxia 2. Also called: CEREBELLAR GRANULAR CELL HYPOPLASIA AND MENTAL RETARDATION, CONGENITAL; CEREBELLAR HYPOPLASIA, NONPROGRESSIVE NORMAN TYPE; CEREBELLOPARENCHYMAL DISORDER III; CPD III. Identifiers: Orphanet 1170, MedGen C1859298, MONDO:0008943, OMIM 213200.

Allele frequency attached by ClinVar (database versions not stated): TOPMed 0.00001.
gnomAD v4.1: 4 of 1,613,792 alleles (0.00025%); highest among the groups gnomAD compares: South Asian, 0.0011%; no homozygotes.

Submission:

3billion
Classification: Likely pathogenic for Autosomal recessive spinocerebellar ataxia 2. Review status: criteria provided, single submitter. Criteria: ACMG Guidelines, 2015. Collection method: clinical testing. Allele origin: unknown. Affected: yes. Observed: 1 heterozygote.
Comment: The variant is observed at an extremely low frequency in the gnomAD v2.1.1 dataset (total allele frequency: 0.003%). This stop-gained (nonsense) variant is predicted to result in a loss or disruption of normal protein function through nonsense-mediated decay (NMD) or protein truncation. A pathogenic variant is reported downstream of the variant. Therefore, this variant is classified as likely pathogenic according to the recommendation of ACMG/AMP guideline.